The following is an entry in ClinVar:

ClinVar aggregate classification (germline): Conflicting classifications of pathogenicity. Review status: criteria provided, conflicting classifications (1 of 4 stars). 4 submissions from 4 submitters: Uncertain significance (1); Likely benign (3). Last evaluated 2026-01-20.

Conditions:
Chédiak-Higashi syndrome (CHS). Also called: Chediak-Higashi Syndrome. Identifiers: Orphanet 167, MedGen C0007965, MONDO:0008963, OMIM 214500.

Allele frequency attached by ClinVar (database versions not stated): ExAC 0.00005; gnomAD 0.00005; ESP Exome Variant Server 0.00008; TOPMed 0.00012; gnomAD exomes 0.00016.
gnomAD v4.1: 245 of 1,612,018 alleles (0.015%); highest among the groups gnomAD compares: Non-Finnish European, 0.019%; 2 homozygotes.

Submissions (5):

Labcorp Genetics (formerly Invitae), Labcorp
Classification: Likely benign for Chédiak-Higashi syndrome. Last evaluated: 2026-01-20. Review status: criteria provided, single submitter. Criteria: Invitae Variant Classification Sherloc (09022015). Collection method: clinical testing. Allele origin: germline.

Blueprint Genetics
Classification: Likely benign. Last evaluated: 2023-08-22. Review status: criteria provided, single submitter. Criteria: ACMG Guidelines, 2015. Collection method: clinical testing. Allele origin: germline.

CeGaT Center for Human Genetics Tuebingen
Classification: Likely benign. Last evaluated: 2022-12-01. Review status: criteria provided, single submitter. Criteria: CeGaT Center For Human Genetics Tuebingen Variant Classification Criteria Version 2. Collection method: clinical testing. Allele origin: germline. Affected: yes. Observed: 1 variant allele.
Comment: LYST: BP4, BP7

Illumina Laboratory Services, Illumina
Classification: Uncertain significance for Chédiak-Higashi syndrome. Last evaluated: 2018-01-12. Review status: criteria provided, single submitter. Criteria: ICSL Variant Classification Criteria 13 December 2019. Collection method: clinical testing. Allele origin: germline.

Dr. Peter K. Rogan Lab, Western University
No classification provided (evidence only). Condition: Thyroid cancer, nonmedullary, 1. Review status: no classification provided. Collection method: in vitro. Allele origin: not applicable. Functional consequence: retained intron. Not counted in ClinVar's aggregate classification.

NM_000081.4(LYST):c.244C>T (p.Leu82=)

Gene: LYST (lysosomal trafficking regulator; minus strand). Cytogenetic location: 1q42.3.
Variant type: single nucleotide variant.
Coding change: c.244C>T on transcript NM_000081.4 (MANE Select); coding-DNA position 244, C replaced by T.
Protein change: p.Leu82=; no amino-acid change (leucine 82 retained).
Molecular consequence: synonymous variant.
Genome position (GRCh38, 1-based): chr1:235,813,010, G>A on the plus strand (C>T on the coding strand, the complement: LYST is on the minus strand). VCF-style: chr1-235813010-G-A. GRCh37 (hg19) VCF-style: chr1-235976310-G-A.
Other names: c.244C>T, p.Leu82= (NM_001301365.1).
Identifiers: ClinVar variation 296436 (VCV000296436.40), dbSNP rs376821187, ClinGen allele CA1467681.